The following is an entry in ClinVar:

NM_032802.4(SPPL2A):c.1510G>A (p.Ala504Thr)

Gene: SPPL2A (signal peptide peptidase like 2A; minus strand). Cytogenetic location: 15q21.2.
Variant type: single nucleotide variant.
Coding change: c.1510G>A on transcript NM_032802.4 (MANE Select); coding-DNA position 1510, G replaced by A.
Protein change: p.Ala504Thr; replaces alanine 504 with threonine.
Molecular consequence: missense variant.
Genome position (GRCh38, 1-based): chr15:50,707,853, C>T on the plus strand (G>A on the coding strand, the complement: SPPL2A is on the minus strand). VCF-style: chr15-50707853-C-T. GRCh37 (hg19) VCF-style: chr15-51000050-C-T.
Other names: short protein forms A504T.
Identifiers: ClinVar variation 2733851 (VCV002733851.3), dbSNP rs770693796, ClinGen allele CA7558166.
Genomic context (GRCh38, chr15:50,707,853, plus strand): 5'-CATAATATTATTGCTGGACAATCTGTTCACCAGATATCACAGGGTTTTCTTCATTTGTTG[C>T]ACAATCCAAATGGTCCATCATCTAGGCATAAATAAAAGACGTTAGGAAATGCAAAATTTC-3'
Protein context (NP_116191.2, residues 494-514): SYQMMDHLDC[Ala504Thr]TNEENPVISG

ClinVar aggregate classification (germline): Uncertain significance (1 of 4 stars; one submission).

Allele frequency attached by ClinVar (database versions not stated): ExAC 0.00001; gnomAD exomes below 0.00001.
gnomAD v4.1: 1 of 1,595,854 alleles (0.000063%); highest among the groups gnomAD compares: Middle Eastern, 0.017%; no homozygotes.

Submission:

Labcorp Genetics (formerly Invitae), Labcorp
Classification: Uncertain significance. Last evaluated: 2026-02-01. Review status: criteria provided, single submitter. Criteria: Invitae Variant Classification Sherloc (09022015). Collection method: clinical testing. Allele origin: germline.
Comment: This sequence change replaces alanine, which is neutral and non-polar, with threonine, which is neutral and polar, at codon 504 of the SPPL2A protein (p.Ala504Thr). This variant is not present in population databases (gnomAD no frequency). This variant has not been reported in the literature in individuals affected with SPPL2A-related conditions. ClinVar contains an entry for this variant (Variation ID: 2733851). An algorithm developed to predict the effect of missense changes on protein structure and function outputs the following: PolyPhen-2: "Benign". The threonine amino acid residue is found in multiple mammalian species, which suggests that this missense change does not adversely affect protein function. In summary, the available evidence is currently insufficient to determine the role of this variant in disease. Therefore, it has been classified as a Variant of Uncertain Significance.